The following is an entry in ClinVar:

ClinVar aggregate classification (germline): Uncertain significance (1 of 4 stars; one submission).

Conditions:
Benign neonatal seizures. Also called: Convulsions benign familial neonatal dominant form; Autosomal dominant form of benign neonatal seizures; Benign familial neonatal seizures; Benign familial neonatal epilepsy; Benign neonatal familial convulsions. Identifiers: Orphanet 1949, MedGen C0220669, MONDO:0016027.

Submission:

Labcorp Genetics (formerly Invitae), Labcorp
Classification: Uncertain significance for Benign neonatal seizures. Last evaluated: 2024-09-19. Review status: criteria provided, single submitter. Criteria: Invitae Variant Classification Sherloc (09022015). Collection method: clinical testing. Allele origin: germline.
Comment: This sequence change replaces arginine, which is basic and polar, with glycine, which is neutral and non-polar, at codon 429 of the KCNQ3 protein (p.Arg429Gly). This variant is not present in population databases (gnomAD no frequency). This variant has not been reported in the literature in individuals affected with KCNQ3-related conditions. Invitae Evidence Modeling of protein sequence and biophysical properties (such as structural, functional, and spatial information, amino acid conservation, physicochemical variation, residue mobility, and thermodynamic stability) indicates that this missense variant is not expected to disrupt KCNQ3 protein function with a negative predictive value of 80%. Algorithms developed to predict the effect of sequence changes on RNA splicing suggest that this variant may disrupt the consensus splice site. In summary, the available evidence is currently insufficient to determine the role of this variant in disease. Therefore, it has been classified as a Variant of Uncertain Significance.

NM_004519.4(KCNQ3):c.1285C>G (p.Arg429Gly)

Gene: KCNQ3 (potassium voltage-gated channel subfamily Q member 3; minus strand). Cytogenetic location: 8q24.22.
Variant type: single nucleotide variant.
Coding change: c.1285C>G on transcript NM_004519.4 (MANE Select); coding-DNA position 1285, C replaced by G.
Protein change: p.Arg429Gly; replaces arginine 429 with glycine.
Molecular consequence: missense variant.
Genome position (GRCh38, 1-based): chr8:132,141,309, G>C on the plus strand (C>G on the coding strand, the complement: KCNQ3 is on the minus strand). VCF-style: chr8-132141309-G-C. GRCh37 (hg19) VCF-style: chr8-133153556-G-C.
Other names: c.925C>G, p.Arg309Gly (NM_001204824.2); short protein forms R309G, R429G.
Identifiers: ClinVar variation 3665582 (VCV003665582.2).